The following is an entry in ClinVar:

ClinVar aggregate classification (germline): Likely benign. Review status: criteria provided, multiple submitters, no conflicts (2 of 4 stars). 3 submissions from 3 submitters: Likely benign (3). Last evaluated 2025-03-01.

Allele frequency attached by ClinVar (database versions not stated): gnomAD exomes 0.00009 and 0.00012; gnomAD 0.00013 and 0.00015; ExAC 0.00014; ESP Exome Variant Server 0.00015; TOPMed 0.00018.
gnomAD v4.1: 173 of 1,613,928 alleles (0.011%); highest among the groups gnomAD compares: Middle Eastern, 0.35%; 1 homozygote.

Submissions (3):

CeGaT Center for Human Genetics Tuebingen
Classification: Likely benign. Last evaluated: 2025-03-01. Review status: criteria provided, single submitter. Criteria: CeGaT Center For Human Genetics Tuebingen Variant Classification Criteria Version 2. Collection method: clinical testing. Allele origin: germline. Affected: yes. Observed: 1 variant allele.
Comment: SPRTN: BP4, BP7

Labcorp Genetics (formerly Invitae), Labcorp
Classification: Likely benign. Last evaluated: 2018-01-24. Review status: criteria provided, single submitter. Criteria: Invitae Variant Classification Sherloc (09022015). Collection method: clinical testing. Allele origin: germline.

Breakthrough Genomics
Classification: Likely benign. Review status: criteria provided, single submitter. Criteria: ACMG Guidelines, 2015. Collection method: not provided. Allele origin: germline. Inheritance: Autosomal recessive inheritance. Affected: yes.

NM_032018.7(SPRTN):c.540C>T (p.Tyr180=)

Gene: SPRTN (SprT-like N-terminal domain; plus strand). Cytogenetic location: 1q42.2.
Variant type: single nucleotide variant.
Coding change: c.540C>T on transcript NM_032018.7 (MANE Select); coding-DNA position 540, C replaced by T.
Protein change: p.Tyr180=; no amino-acid change (tyrosine 180 retained).
Molecular consequence: synonymous variant.
Genome position (GRCh38, 1-based): chr1:231,351,393, C>T. VCF-style: chr1-231351393-C-T. GRCh37 (hg19) VCF-style: chr1-231487139-C-T.
Other names: c.540C>T, p.Tyr180= (NM_001010984.4); c.411C>T, p.Tyr137= (NM_001261462.3).
Identifiers: ClinVar variation 711845 (VCV000711845.11), dbSNP rs150507607, ClinGen allele CA1452739.